The following is an entry in ClinVar:

ClinVar aggregate classification (germline): Uncertain significance (1 of 4 stars; one submission).

Allele frequency attached by ClinVar (database versions not stated): gnomAD exomes below 0.00001; ExAC 0.00002.

Submission:

Labcorp Genetics (formerly Invitae), Labcorp
Classification: Uncertain significance. Last evaluated: 2025-01-07. Review status: criteria provided, single submitter. Criteria: Invitae Variant Classification Sherloc (09022015). Collection method: clinical testing. Allele origin: germline.
Comment: This sequence change replaces aspartic acid, which is acidic and polar, with asparagine, which is neutral and polar, at codon 1193 of the SI protein (p.Asp1193Asn). This variant is present in population databases (rs746636433, gnomAD 0.007%). This variant has not been reported in the literature in individuals affected with SI-related conditions. ClinVar contains an entry for this variant (Variation ID: 1931192). Invitae Evidence Modeling of protein sequence and biophysical properties (such as structural, functional, and spatial information, amino acid conservation, physicochemical variation, residue mobility, and thermodynamic stability) has been performed for this missense variant. However, the output from this modeling did not meet the statistical confidence thresholds required to predict the impact of this variant on SI protein function. In summary, the available evidence is currently insufficient to determine the role of this variant in disease. Therefore, it has been classified as a Variant of Uncertain Significance.

NM_001041.4(SI):c.3577G>A (p.Asp1193Asn)

Gene: SI (sucrase-isomaltase; minus strand). Cytogenetic location: 3q26.1.
Variant type: single nucleotide variant.
Coding change: c.3577G>A on transcript NM_001041.4 (MANE Select); coding-DNA position 3577, G replaced by A.
Protein change: p.Asp1193Asn; replaces aspartic acid 1193 with asparagine.
Molecular consequence: missense variant.
Genome position (GRCh38, 1-based): chr3:165,017,817, C>T on the plus strand (G>A on the coding strand, the complement: SI is on the minus strand). VCF-style: chr3-165017817-C-T. GRCh37 (hg19) VCF-style: chr3-164735605-C-T.
Other names: short protein forms D1193N.
Identifiers: ClinVar variation 1931192 (VCV001931192.3), dbSNP rs746636433, ClinGen allele CA2690215.